The following is an entry in ClinVar:

NM_138713.4(NFAT5):c.2690A>G (p.Gln897Arg)

Gene: NFAT5 (nuclear factor of activated T cells 5; plus strand). Cytogenetic location: 16q22.1.
Variant type: single nucleotide variant.
Coding change: c.2690A>G on transcript NM_138713.4 (MANE Select); coding-DNA position 2690, A replaced by G.
Protein change: p.Gln897Arg; replaces glutamine 897 with arginine.
Molecular consequence: missense variant.
Genome position (GRCh38, 1-based): chr16:69,692,515, A>G. VCF-style: chr16-69692515-A-G. GRCh37 (hg19) VCF-style: chr16-69726418-A-G.
Other names: c.2690A>G, p.Gln897Arg (LRG_1332t1); c.2687A>G, p.Gln896Arg (NM_001113178.3); c.2015A>G, p.Gln672Arg (NM_001367709.1); c.2636A>G, p.Gln879Arg (NM_006599.4); c.2408A>G, p.Gln803Arg (NM_138714.4, NM_173214.3, NM_173215.3); short protein forms Q879R, Q672R, Q803R, Q896R, Q897R.
Identifiers: ClinVar variation 639543 (VCV000639543.10), dbSNP rs762105144, ClinGen allele CA8135791.
Genomic context (GRCh38, chr16:69,692,515, plus strand): 5'-ATTTATTACCTGGAAGAGCTGAAAGTGTTCATCCACAGTCTGAAAACACGTTATCTAATC[A>G]ACAGCAGCAGCAGCAGCAGCAACAGCAAGTGATGGAATCTTCAGCCGCAATGGTGATGGA-3'
Protein context (NP_619727.2, residues 887-907): HPQSENTLSN[Gln897Arg]QQQQQQQQQV

ClinVar aggregate classification (germline): Uncertain significance (1 of 4 stars; one submission).

Conditions:
Immunodeficiency. Identifiers: MedGen C0021051, MONDO:0021094, HP:0002721.

Allele frequency attached by ClinVar (database versions not stated): TOPMed below 0.00001; gnomAD 0.00001; gnomAD exomes 0.00001; ExAC 0.00002.
gnomAD v4.1: 16 of 1,609,660 alleles (0.00099%); highest among the groups gnomAD compares: Non-Finnish European, 0.001%; no homozygotes.

Submission:

Labcorp Genetics (formerly Invitae), Labcorp
Classification: Uncertain significance for Immunodeficiency. Last evaluated: 2025-01-06. Review status: criteria provided, single submitter. Criteria: Invitae Variant Classification Sherloc (09022015). Collection method: clinical testing. Allele origin: germline.
Comment: This sequence change replaces glutamine, which is neutral and polar, with arginine, which is basic and polar, at codon 803 of the NFAT5 protein (p.Gln803Arg). This variant is present in population databases (rs762105144, gnomAD 0.004%). This variant has not been reported in the literature in individuals affected with NFAT5-related conditions. ClinVar contains an entry for this variant (Variation ID: 639543). An algorithm developed to predict the effect of missense changes on protein structure and function (PolyPhen-2) suggests that this variant is likely to be disruptive. In summary, the available evidence is currently insufficient to determine the role of this variant in disease. Therefore, it has been classified as a Variant of Uncertain Significance.